The following is an entry in ClinVar:

NM_001123385.2(BCOR):c.1692A>G (p.Ala564=)

Gene: BCOR (BCL6 corepressor; minus strand). Cytogenetic location: Xp11.4.
Variant type: single nucleotide variant.
Coding change: c.1692A>G on transcript NM_001123385.2 (MANE Select); coding-DNA position 1692, A replaced by G.
Protein change: p.Ala564=; no amino-acid change (alanine 564 retained).
Molecular consequence: synonymous variant.
Genome position (GRCh38, 1-based): chrX:40,073,654, T>C on the plus strand (A>G on the coding strand, the complement: BCOR is on the minus strand). VCF-style: chrX-40073654-T-C. GRCh37 (hg19) VCF-style: chrX-39932907-T-C.
Other names: c.1692A>G, p.Ala564= (NM_001123383.2, NM_001123384.2, NM_017745.6).
Identifiers: ClinVar variation 95766 (VCV000095766.28), dbSNP rs6520618, ClinGen allele CA148825.

ClinVar aggregate classification (germline): Benign. Review status: criteria provided, multiple submitters, no conflicts (2 of 4 stars). 11 submissions from 11 submitters: Benign (8). 3 of the submissions do not count toward it. Last evaluated 2026-02-03.

Conditions:
Inborn genetic diseases. Identifiers: MedGen C0950123, MeSH D030342.
Oculofaciocardiodental syndrome (MCOPS2). Identifiers: Orphanet 2712, MedGen C1846265, MONDO:0010261, OMIM 300166.

Allele frequency attached by ClinVar (database versions not stated): gnomAD exomes 0.15456 and 0.25297; ExAC 0.26710; gnomAD 0.34081 and 0.34271; ESP Exome Variant Server 0.36152; TOPMed 0.37371; 1000 Genomes Project 30x 0.51696; 1000 Genomes Project 0.52397.
gnomAD v4.1: 211,023 of 1,210,479 alleles (17%); highest among the groups gnomAD compares: African/African-American, 81%; 26,452 homozygotes.

Submissions (11):

Labcorp Genetics (formerly Invitae), Labcorp
Classification: Benign for Oculofaciocardiodental syndrome. Last evaluated: 2026-02-03. Review status: criteria provided, single submitter. Criteria: Invitae Variant Classification Sherloc (09022015). Collection method: clinical testing. Allele origin: germline.

Blueprint Genetics
Classification: Benign. Last evaluated: 2024-11-28. Review status: criteria provided, single submitter. Criteria: ACMG Guidelines, 2015. Collection method: clinical testing. Allele origin: germline.

Genome-Nilou Lab
Classification: Benign for Oculofaciocardiodental syndrome. Last evaluated: 2021-07-14. Review status: criteria provided, single submitter. Criteria: ACMG Guidelines, 2015. Collection method: clinical testing. Allele origin: germline. Affected: no.

Ambry Genetics
Classification: Benign for Inborn genetic diseases. Last evaluated: 2015-06-23. Review status: criteria provided, single submitter. Criteria: Ambry Variant Classification Scheme 2023. Collection method: clinical testing. Allele origin: germline.

GeneDx
Classification: Benign. Last evaluated: 2015-03-03. Review status: criteria provided, single submitter. Criteria: GeneDx Variant Classification Process June 2021. Collection method: clinical testing. Allele origin: germline. Affected: yes.

Eurofins Ntd Llc (ga)
Classification: Benign. Last evaluated: 2014-04-30. Review status: criteria provided, single submitter. Criteria: EGL Classification Definitions 2015. Collection method: clinical testing. Allele origin: germline. Observed: 14 variant alleles, 4 heterozygotes, 10 hemizygotes.

Breakthrough Genomics
Classification: Benign. Review status: criteria provided, single submitter. Criteria: ACMG Guidelines, 2015. Collection method: not provided. Allele origin: germline. Inheritance: X-linked inheritance. Affected: yes.

PreventionGenetics, part of Exact Sciences
Classification: Benign. Review status: criteria provided, single submitter. Criteria: ACMG Guidelines, 2015. Collection method: clinical testing. Allele origin: germline.

Diagnostic Laboratory, Department of Genetics, University Medical Center Groningen
Classification: Benign for Oculofaciocardiodental syndrome. Review status: no assertion criteria provided. Collection method: clinical testing. Allele origin: germline. Affected: yes. Study: VKGL Data-share Consensus. Not counted in ClinVar's aggregate classification.

Genetic Services Laboratory, University of Chicago
Classification: Likely benign for AllHighlyPenetrant. Review status: no assertion criteria provided. Collection method: clinical testing. Allele origin: germline. Inheritance: X-linked inheritance. Not counted in ClinVar's aggregate classification.
Comment: Likely benign based on allele frequency in 1000 Genomes Project or ESP global frequency and its presence in a patient with a rare or unrelated disease phenotype. NOT Sanger confirmed.

Genome Diagnostics Laboratory, University Medical Center Utrecht
Classification: Benign. Review status: no assertion criteria provided. Collection method: clinical testing. Allele origin: germline. Affected: yes. Study: VKGL Data-share Consensus. Not counted in ClinVar's aggregate classification.